The following is an entry in ClinVar:

NM_001080414.4(CCDC88C):c.3994G>A (p.Glu1332Lys)

Gene: CCDC88C (coiled-coil domain containing 88C; minus strand). Cytogenetic location: 14q32.11.
Variant type: single nucleotide variant.
Coding change: c.3994G>A on transcript NM_001080414.4 (MANE Select); coding-DNA position 3994, G replaced by A.
Protein change: p.Glu1332Lys; replaces glutamic acid 1332 with lysine.
Molecular consequence: missense variant. On other transcripts: non-coding transcript variant (2).
Genome position (GRCh38, 1-based): chr14:91,294,291, C>T on the plus strand (G>A on the coding strand, the complement: CCDC88C is on the minus strand). VCF-style: chr14-91294291-C-T. GRCh37 (hg19) VCF-style: chr14-91760635-C-T.
Other names: short protein forms E1332K.
Identifiers: ClinVar variation 3616155 (VCV003616155.1).

ClinVar aggregate classification (germline): Uncertain significance (1 of 4 stars; one submission).

gnomAD v4.1: 10 of 1,614,014 alleles (0.00062%); highest among the groups gnomAD compares: South Asian, 0.0099%; no homozygotes.

Submission:

Labcorp Genetics (formerly Invitae), Labcorp
Classification: Uncertain significance. Last evaluated: 2024-10-10. Review status: criteria provided, single submitter. Criteria: Invitae Variant Classification Sherloc (09022015). Collection method: clinical testing. Allele origin: germline.
Comment: This sequence change replaces glutamic acid, which is acidic and polar, with lysine, which is basic and polar, at codon 1332 of the CCDC88C protein (p.Glu1332Lys). This variant is present in population databases (rs753634468, gnomAD 0.02%). This variant has not been reported in the literature in individuals affected with CCDC88C-related conditions. An algorithm developed to predict the effect of missense changes on protein structure and function (PolyPhen-2) suggests that this variant is likely to be disruptive. In summary, the available evidence is currently insufficient to determine the role of this variant in disease. Therefore, it has been classified as a Variant of Uncertain Significance.